The following is an entry in ClinVar:

NM_002471.4(MYH6):c.142A>C (p.Lys48Gln)

Genes: MYH6 (myosin heavy chain 6; minus strand), LOC114827851 (VISTA enhancer hs2155; plus strand). Cytogenetic location: 14q11.2.
Variant type: single nucleotide variant.
Coding change: c.142A>C on transcript NM_002471.4 (MANE Select); coding-DNA position 142, A replaced by C.
Protein change: p.Lys48Gln; replaces lysine 48 with glutamine.
Molecular consequence: missense variant.
Genome position (GRCh38, 1-based): chr14:23,407,082, T>G on the plus strand (A>C on the coding strand, the complement: MYH6 is on the minus strand). VCF-style: chr14-23407082-T-G. GRCh37 (hg19) VCF-style: chr14-23876291-T-G.
Other names: short protein forms K48Q.
Identifiers: ClinVar variation 3222322 (VCV003222322.3), dbSNP rs1891812021, ClinGen allele CA389031979.

ClinVar aggregate classification (germline): Uncertain significance. Review status: criteria provided, multiple submitters, no conflicts (2 of 4 stars). 2 submissions from 2 submitters: Uncertain significance (2). Last evaluated 2026-01-18.

Conditions:
Cardiovascular phenotype. Identifiers: MedGen CN230736.
Hypertrophic cardiomyopathy 14. Identifiers: MedGen C2750467, MONDO:0013197, OMIM 613251.

Allele frequency attached by ClinVar (database versions not stated): gnomAD 0.00001.
gnomAD v4.1: 1 of 1,614,122 alleles (0.000062%); highest among the groups gnomAD compares: African/African-American, 0.0013%; no homozygotes.

Submissions (2):

Labcorp Genetics (formerly Invitae), Labcorp
Classification: Uncertain significance for Hypertrophic cardiomyopathy 14. Last evaluated: 2026-01-18. Review status: criteria provided, single submitter. Criteria: Invitae Variant Classification Sherloc (09022015). Collection method: clinical testing. Allele origin: germline.
Comment: This sequence change replaces lysine, which is basic and polar, with glutamine, which is neutral and polar, at codon 48 of the MYH6 protein (p.Lys48Gln). This variant is not present in population databases (gnomAD no frequency). This variant has not been reported in the literature in individuals affected with MYH6-related conditions. ClinVar contains an entry for this variant (Variation ID: 3222322). Invitae Evidence Modeling of protein sequence and biophysical properties (such as structural, functional, and spatial information, amino acid conservation, physicochemical variation, residue mobility, and thermodynamic stability) indicates that this missense variant is not expected to disrupt MYH6 protein function with a negative predictive value of 80%. In summary, the available evidence is currently insufficient to determine the role of this variant in disease. Therefore, it has been classified as a Variant of Uncertain Significance.

Ambry Genetics
Classification: Uncertain significance for Cardiovascular phenotype. Last evaluated: 2024-01-11. Review status: criteria provided, single submitter. Criteria: Ambry Variant Classification Scheme 2023. Collection method: clinical testing. Allele origin: germline.
Comment: The p.K48Q variant (also known as c.142A>C), located in coding exon 1 of the MYH6 gene, results from an A to C substitution at nucleotide position 142. The lysine at codon 48 is replaced by glutamine, an amino acid with similar properties. This amino acid position is conserved. In addition, the in silico prediction for this alteration is inconclusive. Since supporting evidence is limited at this time, the clinical significance of this alteration remains unclear.